The following is an entry in ClinVar:

NM_000018.4(ACADVL):c.404del (p.Gly135fs)

Gene: ACADVL (acyl-CoA dehydrogenase very long chain; plus strand). Cytogenetic location: 17p13.1.
Variant type: Deletion.
Coding change: c.404del on transcript NM_000018.4 (MANE Select); coding-DNA position 404, one base deleted (G; older notation c.404delG).
Protein change: p.Gly135fs; shifts the reading frame from glycine 135.
Molecular consequence: frameshift variant.
Genome position (GRCh38, 1-based): chr17:7,220,985, G deleted; the last of 3 consecutive G bases (chr17:7,220,983-7,220,985); deleting any one gives the same sequence. VCF-style (leftmost placement, unchanged base first): chr17-7220982-AG-A. GRCh37 (hg19) VCF-style: chr17-7124301-AG-A.
Other names: c.338del, p.Gly113fs (NM_001033859.3); c.473del, p.Gly158fs (NM_001270447.2); c.176del, p.Gly59fs (NM_001270448.2); short protein forms G113fs, G135fs, G158fs, G59fs.
Identifiers: ClinVar variation 5013635 (VCV005013635.1).

ClinVar aggregate classification (germline): Pathogenic (1 of 4 stars; one submission).

Conditions:
Very long chain acyl-CoA dehydrogenase deficiency (ACADVLD). Also called: VLCAD Deficiency; Very Long-Chain Acyl-Coenzyme A Dehydrogenase Deficiency. Identifiers: Orphanet 26793, MedGen C3887523, MONDO:0008723, OMIM 201475.

Submission:

Myriad Genetics, Inc.
Classification: Pathogenic for Very long chain acyl-CoA dehydrogenase deficiency. Last evaluated: 2024-10-12. Review status: criteria provided, single submitter. Criteria: Myriad Autosomal Dominant, Autosomal Recessive and X-Linked Classification Criteria (2023). Collection method: clinical testing. Allele origin: unknown.
Comment: NM_000018.3(ACADVL):c.404delG(G135Afs*82) is expected to be pathogenic in the context of very-long-chain acyl-CoA dehydrogenase deficiency. This variant is predicted to lead to an abnormal or absent protein product due to the creation of a premature termination codon in ACADVL, a gene where loss-of-function variants are known to be pathogenic. Please note: this variant was assessed in the context of healthy population screening.